The following is an entry in ClinVar:

NM_005050.4(ABCD4):c.936+5G>A

Gene: ABCD4 (ATP binding cassette subfamily D member 4; minus strand). Cytogenetic location: 14q24.3.
Variant type: single nucleotide variant.
Coding change: c.936+5G>A on transcript NM_005050.4 (MANE Select); 5 bases into the intron after coding-DNA position 936, G replaced by A.
Molecular consequence: intron variant.
Genome position (GRCh38, 1-based): chr14:74,292,743, C>T on the plus strand (G>A on the coding strand, the complement: ABCD4 is on the minus strand). VCF-style: chr14-74292743-C-T. GRCh37 (hg19) VCF-style: chr14-74759446-C-T.
Other names: c.147+5G>A (NM_001353607.2, NM_001353604.2, NM_001353603.2 and 6 more transcripts); c.459+5G>A (NM_001353598.2, NM_001353601.2, NM_001353600.2 and 2 more transcripts); c.624+5G>A (NM_001353594.2); c.675+5G>A (NM_001353593.2); c.471+5G>A (NM_001353597.2); c.522+5G>A (NM_001353596.2, NM_001353595.2); c.810+5G>A (NM_001353591.2, NM_001353592.2); c.936+5G>A (NM_020325.3).
Identifiers: ClinVar variation 3372865 (VCV003372865.1).
Genomic context (GRCh38, chr14:74,292,743, plus strand): 5'-GCCCACAGACACTGGGCCAAGGACAGAGAGGGACAGCATGTGGGGTGACCAAGAGGGAGT[C>T]TCACCTTGCTGACCAGGGTGCTAAGCTCTGCGGGACTCAGGTCTCCATAGACCCCGCTGA-3'

ClinVar aggregate classification (germline): Uncertain significance (1 of 4 stars; one submission).

gnomAD v4.1: 3 of 1,614,008 alleles (0.00019%); highest among the groups gnomAD compares: African/African-American, 0.004%; no homozygotes.

Submission:

GeneDx
Classification: Uncertain significance. Last evaluated: 2024-04-19. Review status: criteria provided, single submitter. Criteria: GeneDx Variant Classification Process June 2021. Collection method: clinical testing. Allele origin: germline. Affected: yes.
Comment: Not observed at significant frequency in large population cohorts (gnomAD); In silico analysis indicates that this variant does not alter splicing; Has not been previously published as pathogenic or benign to our knowledge